The following is an entry in ClinVar:

NM_001048174.2(MUTYH):c.224G>A (p.Trp75Ter)

Gene: MUTYH (mutY DNA glycosylase; minus strand). Cytogenetic location: 1p34.1.
Variant type: single nucleotide variant.
Coding change: c.224G>A on transcript NM_001048174.2 (MANE Select); coding-DNA position 224, G replaced by A.
Protein change: p.Trp75Ter; replaces tryptophan 75 with a stop codon.
Molecular consequence: nonsense. On other transcripts: 5 prime UTR variant (4), non-coding transcript variant (2).
Genome position (GRCh38, 1-based): chr1:45,333,453, C>T on the plus strand (G>A on the coding strand, the complement: MUTYH is on the minus strand). VCF-style: chr1-45333453-C-T. GRCh37 (hg19) VCF-style: chr1-45799125-C-T.
Other names: c.224G>A, p.Trp75Ter (NM_001048171.2, NM_001048173.2, NM_001293195.2); c.227G>A, p.Trp76Ter (NM_001048172.2); c.308G>A, p.Trp103Ter (NM_001128425.2); c.269G>A, p.Trp90Ter (NM_001293190.2); c.257G>A, p.Trp86Ter (NM_001293191.2); c.-53G>A (NM_001293192.2, NM_001293196.2); c.-48G>A (NM_001350650.2, NM_001350651.2); c.299G>A, p.Trp100Ter (NM_012222.3); short protein forms W103*, W86*, W90*, W76*, W75*, W100*.
Identifiers: ClinVar variation 485909 (VCV000485909.13), dbSNP rs1553130185, ClinGen allele CA340136412.

ClinVar aggregate classification (germline): Pathogenic. Review status: criteria provided, multiple submitters, no conflicts (2 of 4 stars). 5 submissions from 5 submitters: Pathogenic (5). Last evaluated 2025-07-25.

Conditions:
Hereditary cancer-predisposing syndrome. Also called: Hereditary neoplastic syndrome; Hereditary Cancer Syndrome; Neoplastic Syndromes, Hereditary; Tumor predisposition. Identifiers: Orphanet 140162, MedGen C0027672, MeSH D009386, MONDO:0015356.
Familial adenomatous polyposis 2. Also called: MYH-associated polyposis; COLORECTAL ADENOMATOUS POLYPOSIS, AUTOSOMAL RECESSIVE; ADENOMAS, MULTIPLE COLORECTAL, AUTOSOMAL RECESSIVE; MUTYH-related attenuated familial adenomatous polyposis; Adenomas, multiple colorectal; FAP type 2. Identifiers: Orphanet 220460, Orphanet 247798, MedGen C3272841, MONDO:0012041, OMIM 608456.

Submissions (5):

Color Diagnostics, LLC DBA Color Health
Classification: Pathogenic for Hereditary cancer-predisposing syndrome. Last evaluated: 2025-07-25. Review status: criteria provided, single submitter. Criteria: ACMG Guidelines, 2015. Collection method: clinical testing. Allele origin: germline.
Comment: This variant, also known as W89X based on an alternative transcript (NM_001048171.1), changes 1 nucleotide in exon 3 of the MUTYH gene, creating a premature translation stop signal. This variant is expected to result in an absent or non-functional protein product. This variant has been observed with a second pathogenic variant in an individual affected with polyposis (PMID: 15761860), indicating that this variant contributes to disease. This variant has not been identified in the general population by the Genome Aggregation Database (gnomAD). Loss of MUTYH function is a known mechanism of disease. Based on the available evidence, this variant is classified as Pathogenic.

Labcorp Genetics (formerly Invitae), Labcorp
Classification: Pathogenic for Familial adenomatous polyposis 2. Last evaluated: 2025-06-09. Review status: criteria provided, single submitter. Criteria: Invitae Variant Classification Sherloc (09022015). Collection method: clinical testing. Allele origin: germline.
Comment: This sequence change creates a premature translational stop signal (p.Trp103*) in the MUTYH gene. It is expected to result in an absent or disrupted protein product. Loss-of-function variants in MUTYH are known to be pathogenic (PMID: 18534194, 20663686). This variant is not present in population databases (gnomAD no frequency). This premature translational stop signal has been observed in individual(s) with MUTYH-associated polyposis (PMID: 15761860). This variant is also known as p.W89X. ClinVar contains an entry for this variant (Variation ID: 485909). For these reasons, this variant has been classified as Pathogenic.

Baylor Genetics
Classification: Pathogenic for Familial adenomatous polyposis 2. Last evaluated: 2023-09-08. Review status: criteria provided, single submitter. Criteria: ACMG Guidelines, 2015. Collection method: clinical testing. Allele origin: unknown.

Ambry Genetics
Classification: Pathogenic for Hereditary cancer-predisposing syndrome. Last evaluated: 2023-05-10. Review status: criteria provided, single submitter. Criteria: Ambry Variant Classification Scheme 2023. Collection method: clinical testing. Allele origin: germline.
Comment: The p.W103* pathogenic mutation (also known as c.308G>A), located in coding exon 3 of the MUTYH gene, results from a G to A substitution at nucleotide position 308. This changes the amino acid from a tryptophan to a stop codon within coding exon 3. In addition to the clinical data presented in the literature, this alteration is expected to result in loss of function by premature protein truncation or nonsense-mediated mRNA decay. As such, this alteration is interpreted as a disease-causing mutation.

GeneDx
Classification: Pathogenic. Last evaluated: 2018-02-21. Review status: criteria provided, single submitter. Criteria: GeneDx Variant Classification (06012015). Collection method: clinical testing. Allele origin: germline. Affected: yes.
Comment: This variant is denoted MUTYH c.308G>A at the cDNA level and p.Trp103Ter (W103X) at the protein level. The substitution creates a nonsense variant, which changes a Tryptophan to a premature stop codon (TGG>TAG), and is predicted to cause loss of normal protein function through either protein truncation or nonsense-mediated mRNA decay. Although this variant has not, to our knowledge, been reported in the literature, it is considered pathogenic.

Literature cited by the submitters: PubMed 15761860 (cited by 3 submitters); PubMed 18534194 (cited by Labcorp Genetics (formerly Invitae), Labcorp); PubMed 20663686 (cited by Labcorp Genetics (formerly Invitae), Labcorp).